The following is an entry in ClinVar:

ClinVar aggregate classification (germline): Likely benign. Review status: criteria provided, multiple submitters, no conflicts (2 of 4 stars). 3 submissions from 3 submitters: Likely benign (3). Last evaluated 2025-05-28.

Conditions:
DYNC1H1-related disorder. Also called: DYNC1H1-related condition; DYNC1H1-related disorders. Identifiers: MedGen CN381529.
Charcot-Marie-Tooth disease axonal type 2O. Also called: CHARCOT-MARIE-TOOTH NEUROPATHY, AXONAL, TYPE 2O; CHARCOT-MARIE-TOOTH DISEASE, AXONAL, AUTOSOMAL DOMINANT, TYPE 2O; Charcot-Marie-Tooth disease, axonal, type 20; Charcot-Marie-Tooth Neuropathy Type 2O. Identifiers: Orphanet 284232, MedGen C3280220, MONDO:0013644, OMIM 614228.

Allele frequency attached by ClinVar (database versions not stated): ExAC 0.00001; TOPMed 0.00001; gnomAD 0.00002; gnomAD exomes 0.00002.
gnomAD v4.1: 35 of 1,613,900 alleles (0.0022%); highest among the groups gnomAD compares: Non-Finnish European, 0.0027%; no homozygotes.

Submissions (3):

PreventionGenetics, part of Exact Sciences
Classification: Likely benign for DYNC1H1-related condition. Last evaluated: 2025-05-28. Review status: criteria provided, single submitter. Criteria: ACMG Guidelines, 2015. Collection method: clinical testing. Allele origin: germline.
Comment: This variant is classified as likely benign based on ACMG/AMP sequence variant interpretation guidelines (Richards et al. 2015 PMID: 25741868, with internal and published modifications).

Labcorp Genetics (formerly Invitae), Labcorp
Classification: Likely benign for Charcot-Marie-Tooth disease axonal type 2O. Last evaluated: 2024-11-19. Review status: criteria provided, single submitter. Criteria: Invitae Variant Classification Sherloc (09022015). Collection method: clinical testing. Allele origin: germline.

Blueprint Genetics
Classification: Likely benign. Last evaluated: 2023-07-17. Review status: criteria provided, single submitter. Criteria: ACMG Guidelines, 2015. Collection method: clinical testing. Allele origin: germline.

NM_001376.5(DYNC1H1):c.7566G>A (p.Thr2522=)

Gene: DYNC1H1 (dynein cytoplasmic 1 heavy chain 1; plus strand). Cytogenetic location: 14q32.31.
Variant type: single nucleotide variant.
Coding change: c.7566G>A on transcript NM_001376.5 (MANE Select); coding-DNA position 7566, G replaced by A.
Protein change: p.Thr2522=; no amino-acid change (threonine 2522 retained).
Molecular consequence: synonymous variant.
Genome position (GRCh38, 1-based): chr14:102,016,441, G>A. VCF-style: chr14-102016441-G-A. GRCh37 (hg19) VCF-style: chr14-102482778-G-A.
Identifiers: ClinVar variation 539828 (VCV000539828.10), dbSNP rs747067301, ClinGen allele CA7352840.